The following is an entry in ClinVar:

NM_000440.3(PDE6A):c.2136G>A (p.Met712Ile)

Gene: PDE6A (phosphodiesterase 6A; minus strand). Cytogenetic location: 5q32.
Variant type: single nucleotide variant.
Coding change: c.2136G>A on transcript NM_000440.3 (MANE Select); coding-DNA position 2136, G replaced by A.
Protein change: p.Met712Ile; replaces methionine 712 with isoleucine.
Molecular consequence: missense variant.
Genome position (GRCh38, 1-based): chr5:149,868,158, C>T on the plus strand (G>A on the coding strand, the complement: PDE6A is on the minus strand). VCF-style: chr5-149868158-C-T. GRCh37 (hg19) VCF-style: chr5-149247721-C-T.
Other names: c.2136G>A (NM_000440.2); short protein forms M712I.
Identifiers: ClinVar variation 1035186 (VCV001035186.6), dbSNP rs574549728, ClinGen allele CA3504389.
Genomic context (GRCh38, chr5:149,868,158, plus strand): 5'-GCTCTGCACCTCCCAGGGTTTGGTGATGGCTGAGAGATCACAGGCGGTCATCATCATGGC[C>T]CTGGGCACACAGGACACCCTCTATCAGTCCAGGGCCATTTAAGACTTCATGTACTGGTTA-3'
Protein context (NP_000431.2, residues 702-722): MLEQTRKEIV[Met712Ile]AMMMTACDLS

ClinVar aggregate classification (germline): Conflicting classifications of pathogenicity. Review status: criteria provided, conflicting classifications (1 of 4 stars). 3 submissions from 3 submitters: Uncertain significance (1); Likely benign (1). 1 of the submissions does not count toward it. Last evaluated 2023-09-05.

Conditions:
PDE6A-related disorder. Also called: PDE6A-related condition.

Allele frequency attached by ClinVar (database versions not stated): gnomAD 0.00001 and 0.00002; ExAC 0.00005; gnomAD exomes 0.00005 and 0.00009; TOPMed 0.00005.
gnomAD v4.1: 33 of 1,614,108 alleles (0.002%); highest among the groups gnomAD compares: Admixed American, 0.053%; no homozygotes.

Submissions (3):

Labcorp Genetics (formerly Invitae), Labcorp
Classification: Uncertain significance. Last evaluated: 2023-09-05. Review status: criteria provided, single submitter. Criteria: Invitae Variant Classification Sherloc (09022015). Collection method: clinical testing. Allele origin: germline.
Comment: This sequence change replaces methionine, which is neutral and non-polar, with isoleucine, which is neutral and non-polar, at codon 712 of the PDE6A protein (p.Met712Ile). This variant is present in population databases (rs574549728, gnomAD 0.06%). This variant has not been reported in the literature in individuals affected with PDE6A-related conditions. ClinVar contains an entry for this variant (Variation ID: 1035186). An algorithm developed to predict the effect of missense changes on protein structure and function (PolyPhen-2) suggests that this variant¬†is likely to be tolerated. Algorithms developed to predict the effect of sequence changes on RNA splicing suggest that this variant may disrupt the consensus splice site. In summary, the available evidence is currently insufficient to determine the role of this variant in disease. Therefore, it has been classified as a Variant of Uncertain Significance.

Blueprint Genetics
Classification: Likely benign. Last evaluated: 2022-07-27. Review status: criteria provided, single submitter. Criteria: ACMG Guidelines, 2015. Collection method: clinical testing. Allele origin: germline.

PreventionGenetics, part of Exact Sciences
Classification: Uncertain significance for PDE6A-related condition. Last evaluated: 2024-09-25. Review status: no assertion criteria provided. Collection method: clinical testing. Allele origin: germline. Not counted in ClinVar's aggregate classification.
Comment: The PDE6A c.2136G>A variant is predicted to result in the amino acid substitution p.Met712Ile. To our knowledge, this variant has not been reported in the literature. This variant is reported in 0.058% of alleles in individuals of Latino descent in gnomAD. At this time, the clinical significance of this variant is uncertain due to the absence of conclusive functional and genetic evidence.